The following is an entry in ClinVar:

NM_022436.3(ABCG5):c.271G>A (p.Gly91Arg)

Gene: ABCG5 (ATP binding cassette subfamily G member 5; minus strand). Cytogenetic location: 2p21.
Variant type: single nucleotide variant.
Coding change: c.271G>A on transcript NM_022436.3 (MANE Select); coding-DNA position 271, G replaced by A.
Protein change: p.Gly91Arg; replaces glycine 91 with arginine.
Molecular consequence: missense variant.
Genome position (GRCh38, 1-based): chr2:43,832,078, C>T on the plus strand (G>A on the coding strand, the complement: ABCG5 is on the minus strand). VCF-style: chr2-43832078-C-T. GRCh37 (hg19) VCF-style: chr2-44059217-C-T.
Other names: short protein forms G91R.
Identifiers: ClinVar variation 3992569 (VCV003992569.1).

ClinVar aggregate classification (germline): Uncertain significance (1 of 4 stars; one submission).

Conditions:
Cardiovascular phenotype. Identifiers: MedGen CN230736.

gnomAD v4.1: 8 of 1,578,096 alleles (0.00051%); highest among the groups gnomAD compares: East Asian, 0.0046%; no homozygotes.

Submission:

Ambry Genetics
Classification: Uncertain significance for Cardiovascular phenotype. Last evaluated: 2025-05-27. Review status: criteria provided, single submitter. Criteria: Ambry Variant Classification Scheme 2023. Collection method: clinical testing. Allele origin: germline.
Comment: The p.G91R variant (also known as c.271G>A), located in coding exon 3 of the ABCG5 gene, results from a G to A substitution at nucleotide position 271. The glycine at codon 91 is replaced by arginine, an amino acid with dissimilar properties. This amino acid position is conserved. In addition, this alteration is predicted to be deleterious by in silico analysis. Based on the available evidence, the clinical significance of this variant remains unclear.